The following is an entry in ClinVar:

ClinVar aggregate classification (germline): Likely benign (1 of 4 stars; one submission).

Allele frequency attached by ClinVar (database versions not stated): gnomAD 0.00003 and 0.00004; gnomAD exomes 0.00004 and 0.00008; TOPMed 0.00004; ExAC 0.00006.
gnomAD v4.1: 117 of 1,613,984 alleles (0.0072%); highest among the groups gnomAD compares: Non-Finnish European, 0.0097%; no homozygotes.

Submission:

ARUP Laboratories, Molecular Genetics and Genomics, ARUP Laboratories
Classification: Likely benign. Last evaluated: 2018-04-25. Review status: criteria provided, single submitter. Criteria: ARUP Molecular Germline Variant Investigation Process. Collection method: clinical testing. Allele origin: germline.
Comment: The c.4914T>C; p.Asp1638Asp variant (rs778990648) does not alter the amino acid sequence of the MYH10 protein and computational splice site prediction algorithms do not predict a change in the nearest splice site or creation of a cryptic splice site. This variant has not been reported in association with cardiomyopathy in medical literature or in gene specific variation databases. This variant is listed in the genome Aggregation Database (gnomAD) with an overall population frequency of 0.004% (identified on 11 out of 246,246 chromosomes). Based on the available information, the c.4914T>C variant is likely to be benign.

NM_001256012.3(MYH10):c.4914T>C (p.Asp1638=)

Gene: MYH10 (myosin heavy chain 10; minus strand). Cytogenetic location: 17p13.1.
Variant type: single nucleotide variant.
Coding change: c.4914T>C on transcript NM_001256012.3 (MANE Select); coding-DNA position 4914, T replaced by C.
Protein change: p.Asp1638=; no amino-acid change (aspartic acid 1638 retained).
Molecular consequence: synonymous variant.
Genome position (GRCh38, 1-based): chr17:8,487,565, A>G on the plus strand (T>C on the coding strand, the complement: MYH10 is on the minus strand). VCF-style: chr17-8487565-A-G. GRCh37 (hg19) VCF-style: chr17-8390883-A-G.
Other names: c.4848T>C, p.Asp1616= (NM_001256095.2); c.4851T>C, p.Asp1617= (NM_001375266.1); c.4821T>C, p.Asp1607= (NM_005964.5).
Identifiers: ClinVar variation 618228 (VCV000618228.9), dbSNP rs778990648, ClinGen allele CA8377031.